The following is an entry in ClinVar:

NM_014991.6(WDFY3):c.8745C>T (p.Phe2915=)

Gene: WDFY3 (WD repeat and FYVE domain containing 3; minus strand). Cytogenetic location: 4q21.23.
Variant type: single nucleotide variant.
Coding change: c.8745C>T on transcript NM_014991.6 (MANE Select); coding-DNA position 8745, C replaced by T.
Protein change: p.Phe2915=; no amino-acid change (phenylalanine 2915 retained).
Molecular consequence: synonymous variant.
Genome position (GRCh38, 1-based): chr4:84,696,126, G>A on the plus strand (C>T on the coding strand, the complement: WDFY3 is on the minus strand). VCF-style: chr4-84696126-G-A. GRCh37 (hg19) VCF-style: chr4-85617279-G-A.
Identifiers: ClinVar variation 3030043 (VCV003030043.3), dbSNP rs182783617, ClinGen allele CA2992316.

ClinVar aggregate classification (germline): Likely benign. Review status: criteria provided, single submitter (1 of 4 stars). 2 submissions from 2 submitters: Likely benign (1). 1 of the submissions does not count toward it. Last evaluated 2026-10-01.

Conditions:
WDFY3-related disorder.

Allele frequency attached by ClinVar (database versions not stated): ExAC 0.00001; gnomAD exomes 0.00001; gnomAD 0.00005; TOPMed 0.00005; 1000 Genomes Project 0.00020; 1000 Genomes Project 30x 0.00062.
gnomAD v4.1: 16 of 1,614,044 alleles (0.00099%); highest among the groups gnomAD compares: African/African-American, 0.012%; no homozygotes.

Submissions (2):

CeGaT Center for Human Genetics Tuebingen
Classification: Likely benign. Last evaluated: 2026-10-01. Review status: criteria provided, single submitter. Criteria: CeGaT Center For Human Genetics Tuebingen Variant Classification Criteria Version 2. Collection method: clinical testing. Allele origin: germline. Affected: yes. Observed: 1 variant allele.
Comment: WDFY3: BS2

PreventionGenetics, part of Exact Sciences
Classification: Likely benign for WDFY3-related condition. Last evaluated: 2022-06-21. Review status: no assertion criteria provided. Collection method: clinical testing. Allele origin: germline. Not counted in ClinVar's aggregate classification.
Comment: This variant is classified as likely benign based on ACMG/AMP sequence variant interpretation guidelines (Richards et al. 2015 PMID: 25741868, with internal and published modifications).